The following is an entry in ClinVar:

ClinVar aggregate classification (germline): Pathogenic (1 of 4 stars; one submission).

Conditions:
Wilson disease (WND). Also called: Wilson's disease. Identifiers: Orphanet 905, MedGen C0019202, MONDO:0010200, OMIM 277900. Disease mechanism: loss of function.

Submission:

Labcorp Genetics (formerly Invitae), Labcorp
Classification: Pathogenic for Wilson disease. Last evaluated: 2021-12-01. Review status: criteria provided, single submitter. Criteria: Invitae Variant Classification Sherloc (09022015). Collection method: clinical testing. Allele origin: germline.
Comment: A gross deletion of the genomic region encompassing the full coding sequence of the ATP7B gene has been identified. Loss-of-function variants in ATP7B are known to be pathogenic (PMID: 10441329, 16283883). The boundaries of this event are unknown as they extend beyond the assayed region for this gene and therefore may encompass additional genes. A similar copy number variant has been observed in individual(s) with Wilson disease (PMID: 30655162). In at least one individual the data is consistent with being in trans (on the opposite chromosome) from a pathogenic variant. For these reasons, this variant has been classified as Pathogenic.

Literature cited by the submitters: PubMed 10441329; PubMed 16283883; PubMed 30655162.

NC_000013.11:g.(?_51934746)_(52029658_?)del

Genes: ALG11 (ALG11 alpha-1,2-mannosyltransferase; plus strand), ATP7B (ATPase copper transporting beta; minus strand), UTP14C (UTP14C small subunit processome component; plus strand). Cytogenetic location: 13q14.3.
Variant type: Deletion.
Identifiers: ClinVar variation 833271 (VCV000833271.2).